The following is an entry in ClinVar:

ClinVar aggregate classification (germline): Likely benign. Review status: criteria provided, single submitter (1 of 4 stars). 2 submissions from 2 submitters: Likely benign (1). 1 of the submissions does not count toward it. Last evaluated 2025-05-13.

Conditions:
Epileptic encephalopathy. Identifiers: MedGen C0543888, HP:0200134.
FASN-related disorder. Also called: FASN-related condition.

Allele frequency attached by ClinVar (database versions not stated): 1000 Genomes Project 30x 0.00016; 1000 Genomes Project 0.00020; gnomAD exomes below 0.00001.
gnomAD v4.1: 26 of 1,607,708 alleles (0.0016%); highest among the groups gnomAD compares: Middle Eastern, 0.087%; no homozygotes.

Submissions (2):

Labcorp Genetics (formerly Invitae), Labcorp
Classification: Likely benign for Epileptic encephalopathy. Last evaluated: 2025-05-13. Review status: criteria provided, single submitter. Criteria: Invitae Variant Classification Sherloc (09022015). Collection method: clinical testing. Allele origin: germline.

PreventionGenetics, part of Exact Sciences
Classification: Likely benign for FASN-related condition. Last evaluated: 2019-05-22. Review status: no assertion criteria provided. Collection method: clinical testing. Allele origin: germline. Not counted in ClinVar's aggregate classification.
Comment: This variant is classified as likely benign based on ACMG/AMP sequence variant interpretation guidelines (Richards et al. 2015 PMID: 25741868, with internal and published modifications).

NM_004104.5(FASN):c.4123-10G>A

Gene: FASN (fatty acid synthase; minus strand). Cytogenetic location: 17q25.3.
Variant type: single nucleotide variant.
Coding change: c.4123-10G>A on transcript NM_004104.5 (MANE Select); 10 bases into the intron before coding-DNA position 4123, G replaced by A.
Molecular consequence: intron variant.
Genome position (GRCh38, 1-based): chr17:82,085,412, C>T on the plus strand (G>A on the coding strand, the complement: FASN is on the minus strand). VCF-style: chr17-82085412-C-T. GRCh37 (hg19) VCF-style: chr17-80043288-C-T.
Identifiers: ClinVar variation 531114 (VCV000531114.8), dbSNP rs573497934, ClinGen allele CA295130011.
Genomic context (GRCh38, chr17:82,085,412, plus strand): 5'-CAGGCCCACCAGGCGCAGCGACACCCTGGAGAAGAGGCTCTCCCACGCGTCCTGTGGGGG[C>T]GGTGGTCAGCACCCTGCCCGCCTGGCCCTCACCCGGCCCCCACCCTGTCCCCCTGCCCGG-3'